The following is an entry in ClinVar:

NM_024422.6(DSC2):c.2383G>A (p.Glu795Lys)

Gene: DSC2 (desmocollin 2; minus strand). Cytogenetic location: 18q12.1.
Variant type: single nucleotide variant.
Coding change: c.2383G>A on transcript NM_024422.6 (MANE Select); coding-DNA position 2383, G replaced by A.
Protein change: p.Glu795Lys; replaces glutamic acid 795 with lysine.
Molecular consequence: missense variant.
Genome position (GRCh38, 1-based): chr18:31,069,019, C>T on the plus strand (G>A on the coding strand, the complement: DSC2 is on the minus strand). VCF-style: chr18-31069019-C-T. GRCh37 (hg19) VCF-style: chr18-28648985-C-T.
Other names: c.1954G>A, p.Glu652Lys (NM_001406506.1, NM_001406507.1); c.2383G>A, p.Glu795Lys (NM_004949.5); short protein forms E652K, E795K.
Identifiers: ClinVar variation 2192094 (VCV002192094.5), dbSNP rs1986731726, ClinGen allele CA402111581.

ClinVar aggregate classification (germline): Uncertain significance. Review status: criteria provided, multiple submitters, no conflicts (2 of 4 stars). 2 submissions from 2 submitters: Uncertain significance (2). Last evaluated 2024-09-03.

Conditions:
Arrhythmogenic right ventricular dysplasia 11. Also called: Arrhythmogenic right ventricular dysplasia 11 with mild palmoplantar keratoderma and woolly hair; Arrhythmogenic Right Ventricular Dysplasia/Cardiomyopathy11; ARRHYTHMOGENIC RIGHT VENTRICULAR DYSPLASIA, FAMILIAL, 11. Identifiers: MedGen C1864850, MONDO:0012506, OMIM 610476.
Cardiomyopathy (CMYO). Also called: Cardiomyopathies. Identifiers: Orphanet 167848, MedGen C0878544, MONDO:0004994, HP:0001638. Inheritance: Various modes of inheritance.

Allele frequency attached by ClinVar (database versions not stated): gnomAD exomes below 0.00001.
gnomAD v4.1: 3 of 1,614,036 alleles (0.00019%); highest among the groups gnomAD compares: Non-Finnish European, 0.00025%; no homozygotes.

Submissions (2):

Color Diagnostics, LLC DBA Color Health
Classification: Uncertain significance for Cardiomyopathy. Last evaluated: 2024-09-03. Review status: criteria provided, single submitter. Criteria: ACMG Guidelines, 2015. Collection method: clinical testing. Allele origin: germline.
Comment: This missense variant replaces glutamic acid with lysine at codon 795 of the DSC2 protein. Computational prediction suggests that this variant may not impact protein structure and function. To our knowledge, functional studies have not been reported for this variant. This variant has been reported in an individual affected with dilated cardiomyopathy (PMID: 20716751). This variant has not been identified in the general population by the Genome Aggregation Database (gnomAD). The available evidence is insufficient to determine the role of this variant in disease conclusively. Therefore, this variant is classified as a Variant of Uncertain Significance.

Labcorp Genetics (formerly Invitae), Labcorp
Classification: Uncertain significance for Arrhythmogenic right ventricular dysplasia 11. Last evaluated: 2023-09-19. Review status: criteria provided, single submitter. Criteria: Invitae Variant Classification Sherloc (09022015). Collection method: clinical testing. Allele origin: germline.
Comment: Advanced modeling of protein sequence and biophysical properties (such as structural, functional, and spatial information, amino acid conservation, physicochemical variation, residue mobility, and thermodynamic stability) has been performed at Invitae for this missense variant, however the output from this modeling did not meet the statistical confidence thresholds required to predict the impact of this variant on DSC2 protein function. In summary, the available evidence is currently insufficient to determine the role of this variant in disease. Therefore, it has been classified as a Variant of Uncertain Significance. This sequence change replaces glutamic acid, which is acidic and polar, with lysine, which is basic and polar, at codon 795 of the DSC2 protein (p.Glu795Lys). This variant is not present in population databases (gnomAD no frequency). This missense change has been observed in individual(s) with dilated cardiomyopathy (PMID: 20716751). ClinVar contains an entry for this variant (Variation ID: 2192094).

Literature cited by the submitters: PubMed 20716751 (cited by Color Diagnostics, LLC DBA Color Health and Labcorp Genetics (formerly Invitae), Labcorp).